The following is an entry in ClinVar:

ClinVar aggregate classification (germline): Uncertain significance (1 of 4 stars; one submission).

Conditions:
Myofibrillar myopathy 4. Also called: Zaspopathy (type). Identifiers: Orphanet 98912, MedGen C4721886, MONDO:0012277, OMIM 609452.

Submission:

Labcorp Genetics (formerly Invitae), Labcorp
Classification: Uncertain significance for Myofibrillar myopathy 4. Last evaluated: 2024-05-14. Review status: criteria provided, single submitter. Criteria: Invitae Variant Classification Sherloc (09022015). Collection method: clinical testing. Allele origin: germline.
Comment: The LDB3 gene has multiple clinically relevant transcripts. This variant occurs in alternate transcript NM_007078.3, and corresponds to NM_001080116.1:c.321+1531C>T in the primary transcript. This sequence change replaces proline, which is neutral and non-polar, with serine, which is neutral and polar, at codon 192 of the LDB3 protein (p.Pro192Ser). This variant is not present in population databases (gnomAD no frequency). This variant has not been reported in the literature in individuals affected with LDB3-related conditions. Experimental studies and prediction algorithms are not available or were not evaluated, and the functional significance of this variant is currently unknown. Algorithms developed to predict the effect of sequence changes on RNA splicing suggest that this variant is not likely to affect RNA splicing. In summary, the available evidence is currently insufficient to determine the role of this variant in disease. Therefore, it has been classified as a Variant of Uncertain Significance.

NM_007078.3(LDB3):c.574C>T (p.Pro192Ser)

Gene: LDB3 (LIM domain binding 3; plus strand). Cytogenetic location: 10q23.2.
Variant type: single nucleotide variant.
Coding change: c.574C>T on transcript NM_007078.3 (MANE Select); coding-DNA position 574, C replaced by T.
Protein change: p.Pro192Ser; replaces proline 192 with serine.
Molecular consequence: missense variant. On other transcripts: intron variant (5).
Genome position (GRCh38, 1-based): chr10:86,681,688, C>T. VCF-style: chr10-86681688-C-T. GRCh37 (hg19) VCF-style: chr10-88441445-C-T.
Other names: c.574C>T, p.Pro192Ser (NM_001080115.2, NM_001171610.2, NM_001171611.2 and 3 more transcripts); c.321+1531C>T (NM_001368068.1, NM_001368066.1, NM_001080114.2 and 2 more transcripts); short protein forms P192S.
Identifiers: ClinVar variation 3616579 (VCV003616579.2).